The following is an entry in ClinVar:

NM_006361.6(HOXB13):c.652A>G (p.Lys218Glu)

Gene: HOXB13 (homeobox B13; minus strand). Cytogenetic location: 17q21.32.
Variant type: single nucleotide variant.
Coding change: c.652A>G on transcript NM_006361.6 (MANE Select); coding-DNA position 652, A replaced by G.
Protein change: p.Lys218Glu; replaces lysine 218 with glutamic acid.
Molecular consequence: missense variant.
Genome position (GRCh38, 1-based): chr17:48,726,993, T>C on the plus strand (A>G on the coding strand, the complement: HOXB13 is on the minus strand). VCF-style: chr17-48726993-T-C. GRCh37 (hg19) VCF-style: chr17-46804355-T-C.
Other names: short protein forms K218E.
Identifiers: ClinVar variation 1754058 (VCV001754058.7), dbSNP rs2143067422, ClinGen allele CA400106856.

ClinVar aggregate classification (germline): Uncertain significance. Review status: criteria provided, multiple submitters, no conflicts (2 of 4 stars). 2 submissions from 2 submitters: Uncertain significance (2). Last evaluated 2023-08-27.

Conditions:
Hereditary cancer-predisposing syndrome. Also called: Neoplastic Syndromes, Hereditary; Tumor predisposition; Hereditary Cancer Syndrome; Hereditary neoplastic syndrome. Identifiers: Orphanet 140162, MedGen C0027672, MeSH D009386, MONDO:0015356.

Allele frequency attached by ClinVar (database versions not stated): gnomAD exomes below 0.00001.
gnomAD v4.1: 3 of 1,611,950 alleles (0.00019%); highest among the groups gnomAD compares: Non-Finnish European, 0.00025%; no homozygotes.

Submissions (2):

Labcorp Genetics (formerly Invitae), Labcorp
Classification: Uncertain significance. Last evaluated: 2023-08-27. Review status: criteria provided, single submitter. Criteria: Invitae Variant Classification Sherloc (09022015). Collection method: clinical testing. Allele origin: germline.
Comment: In summary, the available evidence is currently insufficient to determine the role of this variant in disease. Therefore, it has been classified as a Variant of Uncertain Significance. Advanced modeling of protein sequence and biophysical properties (such as structural, functional, and spatial information, amino acid conservation, physicochemical variation, residue mobility, and thermodynamic stability) performed at Invitae indicates that this missense variant is expected to disrupt HOXB13 protein function. ClinVar contains an entry for this variant (Variation ID: 1754058). This variant has not been reported in the literature in individuals affected with HOXB13-related conditions. This variant is not present in population databases (gnomAD no frequency). This sequence change replaces lysine, which is basic and polar, with glutamic acid, which is acidic and polar, at codon 218 of the HOXB13 protein (p.Lys218Glu).

Ambry Genetics
Classification: Uncertain significance for Hereditary cancer-predisposing syndrome. Last evaluated: 2022-10-02. Review status: criteria provided, single submitter. Criteria: Ambry Variant Classification Scheme 2023. Collection method: clinical testing. Allele origin: germline.
Comment: The p.K218E variant (also known as c.652A>G), located in coding exon 2 of the HOXB13 gene, results from an A to G substitution at nucleotide position 652. The lysine at codon 218 is replaced by glutamic acid, an amino acid with similar properties. This amino acid position is highly conserved in available vertebrate species. In addition, this alteration is predicted to be deleterious by in silico analysis. Since supporting evidence is limited at this time, the clinical significance of this alteration remains unclear.